The following is an entry in ClinVar:

NM_020134.4(DPYSL5):c.29T>A (p.Ile10Asn)

Gene: DPYSL5 (dihydropyrimidinase like 5; plus strand). Cytogenetic location: 2p23.3.
Variant type: single nucleotide variant.
Coding change: c.29T>A on transcript NM_020134.4 (MANE Select); coding-DNA position 29, T replaced by A.
Protein change: p.Ile10Asn; replaces isoleucine 10 with asparagine.
Molecular consequence: missense variant.
Genome position (GRCh38, 1-based): chr2:26,898,528, T>A. VCF-style: chr2-26898528-T-A. GRCh37 (hg19) VCF-style: chr2-27121396-T-A.
Other names: c.29T>A, p.Ile10Asn (NM_001253723.2, NM_001253724.2); short protein forms I10N.
Identifiers: ClinVar variation 4278553 (VCV004278553.1).

ClinVar aggregate classification (germline): Uncertain significance (1 of 4 stars; one submission).

Submission:

GeneDx
Classification: Uncertain significance. Last evaluated: 2025-04-06. Review status: criteria provided, single submitter. Criteria: GeneDx Variant Classification Process June 2021. Collection method: clinical testing. Allele origin: germline. Affected: yes.
Comment: Not observed at significant frequency in large population cohorts (gnomAD); In silico analysis supports that this missense variant has a deleterious effect on protein structure/function; Has not been previously published as pathogenic or benign to our knowledge